The following is an entry in ClinVar:

ClinVar aggregate classification (germline): Uncertain significance (1 of 4 stars; one submission).

gnomAD v4.1: 3 of 1,613,994 alleles (0.00019%); highest among the groups gnomAD compares: Non-Finnish European, 0.00025%; no homozygotes.

Submission:

GeneDx
Classification: Uncertain significance. Last evaluated: 2025-02-04. Review status: criteria provided, single submitter. Criteria: GeneDx Variant Classification Process June 2021. Collection method: clinical testing. Allele origin: germline. Affected: yes.
Comment: Not observed at significant frequency in large population cohorts (gnomAD); In silico analysis indicates that this missense variant does not alter protein structure/function; Has not been previously published as pathogenic or benign to our knowledge

NM_006329.4(FBLN5):c.229C>G (p.Arg77Gly)

Gene: FBLN5 (fibulin 5; minus strand). Cytogenetic location: 14q32.12.
Variant type: single nucleotide variant.
Coding change: c.229C>G on transcript NM_006329.4 (MANE Select); coding-DNA position 229, C replaced by G.
Protein change: p.Arg77Gly; replaces arginine 77 with glycine.
Molecular consequence: missense variant.
Genome position (GRCh38, 1-based): chr14:91,937,097, G>C on the plus strand (C>G on the coding strand, the complement: FBLN5 is on the minus strand). VCF-style: chr14-91937097-G-C. GRCh37 (hg19) VCF-style: chr14-92403441-G-C.
Other names: c.352C>G, p.Arg118Gly (NM_001384158.1); c.280C>G, p.Arg94Gly (NM_001384159.1); c.229C>G, p.Arg77Gly (NM_001384160.1); c.61C>G, p.Arg21Gly (NM_001384161.1, NM_001384162.1); short protein forms R118G, R21G, R77G, R94G.
Identifiers: ClinVar variation 4072805 (VCV004072805.1).